The following is an entry in ClinVar:

ClinVar aggregate classification (germline): Uncertain significance. Review status: criteria provided, multiple submitters, no conflicts (2 of 4 stars). 2 submissions from 2 submitters: Uncertain significance (2). Last evaluated 2022-07-20.

Allele frequency attached by ClinVar (database versions not stated): TOPMed below 0.00001; gnomAD exomes 0.00001.
gnomAD v4.1: 10 of 1,551,184 alleles (0.00064%); highest among the groups gnomAD compares: Non-Finnish European, 0.00087%; no homozygotes.

Submissions (2):

Labcorp Genetics (formerly Invitae), Labcorp
Classification: Uncertain significance. Last evaluated: 2022-07-20. Review status: criteria provided, single submitter. Criteria: Invitae Variant Classification Sherloc (09022015). Collection method: clinical testing. Allele origin: germline.
Comment: This sequence change replaces valine, which is neutral and non-polar, with alanine, which is neutral and non-polar, at codon 1831 of the EYS protein (p.Val1831Ala). This variant is present in population databases (no rsID available, gnomAD 0.002%). This variant has not been reported in the literature in individuals affected with EYS-related conditions. Algorithms developed to predict the effect of missense changes on protein structure and function output the following: SIFT: "Tolerated"; PolyPhen-2: "Benign"; Align-GVGD: "Class C0". The alanine amino acid residue is found in multiple mammalian species, which suggests that this missense change does not adversely affect protein function. In summary, the available evidence is currently insufficient to determine the role of this variant in disease. Therefore, it has been classified as a Variant of Uncertain Significance.

Blueprint Genetics
Classification: Uncertain significance. Last evaluated: 2019-06-17. Review status: criteria provided, single submitter. Criteria: ACMG Guidelines, 2015. Collection method: clinical testing. Allele origin: germline.

NM_001142800.2(EYS):c.5492T>C (p.Val1831Ala)

Gene: EYS (EGF-like photoreceptor maintenance factor; minus strand). Cytogenetic location: 6q12.
Variant type: single nucleotide variant.
Coding change: c.5492T>C on transcript NM_001142800.2 (MANE Select); coding-DNA position 5492, T replaced by C.
Protein change: p.Val1831Ala; replaces valine 1831 with alanine.
Molecular consequence: missense variant.
Genome position (GRCh38, 1-based): chr6:64,590,375, A>G on the plus strand (T>C on the coding strand, the complement: EYS is on the minus strand). VCF-style: chr6-64590375-A-G. GRCh37 (hg19) VCF-style: chr6-65300268-A-G.
Other names: c.5492T>C, p.Val1831Ala (NM_001292009.2); short protein forms V1831A.
Identifiers: ClinVar variation 2165889 (VCV002165889.2), dbSNP rs879866506, ClinGen allele CA140340865.